The following is an entry in ClinVar:

NM_003482.4(KMT2D):c.8559G>A (p.Pro2853=)

Gene: KMT2D (lysine methyltransferase 2D; minus strand). Cytogenetic location: 12q13.12.
Variant type: single nucleotide variant.
Coding change: c.8559G>A on transcript NM_003482.4 (MANE Select); coding-DNA position 8559, G replaced by A.
Protein change: p.Pro2853=; no amino-acid change (proline 2853 retained).
Molecular consequence: synonymous variant.
Genome position (GRCh38, 1-based): chr12:49,038,797, C>T on the plus strand (G>A on the coding strand, the complement: KMT2D is on the minus strand). VCF-style: chr12-49038797-C-T. GRCh37 (hg19) VCF-style: chr12-49432580-C-T.
Identifiers: ClinVar variation 435667 (VCV000435667.33), dbSNP rs375344889, ClinGen allele CA6546822.

ClinVar aggregate classification (germline): Likely benign. Review status: criteria provided, multiple submitters, no conflicts (2 of 4 stars). 6 submissions from 6 submitters: Likely benign (5). 1 of the submissions does not count toward it. Last evaluated 2026-02-03.

Conditions:
KMT2D-related disorder. Also called: KMT2D-Related Disorders.
Kabuki syndrome. Also called: Kabuki make-up syndrome; NIIKAWA-KUROKI SYNDROME. Identifiers: Orphanet 2322, MedGen C0796004, MONDO:0016512.

Allele frequency attached by ClinVar (database versions not stated): ESP Exome Variant Server 0.00025; gnomAD exomes 0.00026 and 0.00029; TOPMed 0.00039; ExAC 0.00045.
gnomAD v4.1: 456 of 1,585,066 alleles (0.029%); highest among the groups gnomAD compares: East Asian, 0.058%; no homozygotes.

Submissions (6):

Labcorp Genetics (formerly Invitae), Labcorp
Classification: Likely benign for Kabuki syndrome. Last evaluated: 2026-02-03. Review status: criteria provided, single submitter. Criteria: Invitae Variant Classification Sherloc (09022015). Collection method: clinical testing. Allele origin: germline.

CeGaT Center for Human Genetics Tuebingen
Classification: Likely benign. Last evaluated: 2025-12-01. Review status: criteria provided, single submitter. Criteria: CeGaT Center For Human Genetics Tuebingen Variant Classification Criteria Version 2. Collection method: clinical testing. Allele origin: germline. Affected: yes. Observed: 2 variant alleles.
Comment: KMT2D: BP4, BP7

Blueprint Genetics
Classification: Likely benign. Last evaluated: 2024-09-20. Review status: criteria provided, single submitter. Criteria: ACMG Guidelines, 2015. Collection method: clinical testing. Allele origin: germline.

GeneDx
Classification: Likely benign. Last evaluated: 2021-02-23. Review status: criteria provided, single submitter. Criteria: GeneDx Variant Classification Process June 2021. Collection method: clinical testing. Allele origin: germline. Affected: yes.

Genetic Services Laboratory, University of Chicago
Classification: Likely benign. Last evaluated: 2016-08-25. Review status: criteria provided, single submitter. Criteria: ACMG Guidelines, 2015. Collection method: clinical testing. Allele origin: germline. Affected: no.

PreventionGenetics, part of Exact Sciences
Classification: Likely benign for KMT2D-related condition. Last evaluated: 2019-03-18. Review status: no assertion criteria provided. Collection method: clinical testing. Allele origin: germline. Not counted in ClinVar's aggregate classification.
Comment: This variant is classified as likely benign based on ACMG/AMP sequence variant interpretation guidelines (Richards et al. 2015 PMID: 25741868, with internal and published modifications).